The following is an entry in ClinVar:

NM_019066.5(MAGEL2):c.3657G>A (p.Ala1219=)

Gene: MAGEL2 (MAGE family member L2; minus strand). Cytogenetic location: 15q11.2.
Variant type: single nucleotide variant.
Coding change: c.3657G>A on transcript NM_019066.5 (MANE Select); coding-DNA position 3657, G replaced by A.
Protein change: p.Ala1219=; no amino-acid change (alanine 1219 retained).
Molecular consequence: synonymous variant.
Genome position (GRCh38, 1-based): chr15:23,644,086, C>T on the plus strand (G>A on the coding strand, the complement: MAGEL2 is on the minus strand). VCF-style: chr15-23644086-C-T. GRCh37 (hg19) VCF-style: chr15-23889233-C-T.
Identifiers: ClinVar variation 697993 (VCV000697993.42), dbSNP rs140288382, ClinGen allele CA7429665.

ClinVar aggregate classification (germline): Benign/Likely benign. Review status: criteria provided, multiple submitters, no conflicts (2 of 4 stars). 7 submissions from 7 submitters: Benign (4); Likely benign (1). 2 of the submissions do not count toward it. Last evaluated 2026-02-03.

Allele frequency attached by ClinVar (database versions not stated): ESP Exome Variant Server 0.00064; gnomAD 0.00133 and 0.00140; TOPMed 0.00147; 1000 Genomes Project 0.00160; 1000 Genomes Project 30x 0.00172.
gnomAD v4.1: 502 of 1,613,914 alleles (0.031%); highest among the groups gnomAD compares: African/African-American, 0.49%; 2 homozygotes.

Submissions (7):

Labcorp Genetics (formerly Invitae), Labcorp
Classification: Benign. Last evaluated: 2026-02-03. Review status: criteria provided, single submitter. Criteria: Invitae Variant Classification Sherloc (09022015). Collection method: clinical testing. Allele origin: germline.

Blueprint Genetics
Classification: Likely benign. Last evaluated: 2024-09-24. Review status: criteria provided, single submitter. Criteria: ACMG Guidelines, 2015. Collection method: clinical testing. Allele origin: germline.

CeGaT Center for Human Genetics Tuebingen
Classification: Benign. Last evaluated: 2022-04-01. Review status: criteria provided, single submitter. Criteria: CeGaT Center For Human Genetics Tuebingen Variant Classification Criteria Version 2. Collection method: clinical testing. Allele origin: germline. Affected: yes. Observed: 1 variant allele.
Comment: MAGEL2: BS1, BS2

Genetic Services Laboratory, University of Chicago
Classification: Benign. Last evaluated: 2019-06-14. Review status: criteria provided, single submitter. Criteria: ACMG Guidelines, 2015. Collection method: clinical testing. Allele origin: germline. Affected: no.

Breakthrough Genomics
Classification: Benign. Review status: criteria provided, single submitter. Criteria: ACMG Guidelines, 2015. Collection method: not provided. Allele origin: germline. Inheritance: Autosomal dominant inheritance. Affected: yes.

Clinical Genetics DNA and cytogenetics Diagnostics Lab, Erasmus MC, Erasmus Medical Center
Classification: Likely benign. Review status: no assertion criteria provided. Collection method: clinical testing. Allele origin: germline. Affected: yes. Study: VKGL Data-share Consensus. Not counted in ClinVar's aggregate classification.

Clinical Genetics, Academic Medical Center
Classification: Benign. Review status: no assertion criteria provided. Collection method: clinical testing. Allele origin: germline. Affected: yes. Study: VKGL Data-share Consensus. Not counted in ClinVar's aggregate classification.